The following is an entry in ClinVar:

NM_001174147.2(LMX1B):c.1007G>A (p.Gly336Asp)

Gene: LMX1B (LIM homeobox transcription factor 1 beta; plus strand). Cytogenetic location: 9q33.3.
Variant type: single nucleotide variant.
Coding change: c.1007G>A on transcript NM_001174147.2 (MANE Select); coding-DNA position 1007, G replaced by A.
Protein change: p.Gly336Asp; replaces glycine 336 with aspartic acid.
Molecular consequence: missense variant.
Genome position (GRCh38, 1-based): chr9:126,695,959, G>A. VCF-style: chr9-126695959-G-A. GRCh37 (hg19) VCF-style: chr9-129458238-G-A.
Other names: c.1040G>A, p.Gly347Asp (NM_001174146.2); c.1007G>A, p.Gly336Asp (NM_002316.4); short protein forms G336D, G347D.
Identifiers: ClinVar variation 2789420 (VCV002789420.3), dbSNP rs1015245215, ClinGen allele CA199816332.
Genomic context (GRCh38, chr9:126,695,959, plus strand): 5'-AGCAGCAGATCGTGGCCATGGAACAGAGCCCCTACGGCAGCAGCGACCCCTTCCAGCAGG[G>A]CCTCACGCCGCCCCAAATGCCAGGTGACCACATGAACCCCTATGGTAAGCCGCCCTACCC-3'
Protein context (NP_001167618.1, residues 326-346): PYGSSDPFQQ[Gly336Asp]LTPPQMPGDH

ClinVar aggregate classification (germline): Uncertain significance (1 of 4 stars; one submission).

Allele frequency attached by ClinVar (database versions not stated): gnomAD exomes 0.00001; TOPMed 0.00001.
gnomAD v4.1: 16 of 1,612,702 alleles (0.00099%); highest among the groups gnomAD compares: Non-Finnish European, 0.0014%; no homozygotes.

Submission:

Labcorp Genetics (formerly Invitae), Labcorp
Classification: Uncertain significance. Last evaluated: 2024-04-11. Review status: criteria provided, single submitter. Criteria: Invitae Variant Classification Sherloc (09022015). Collection method: clinical testing. Allele origin: germline.
Comment: This sequence change replaces glycine, which is neutral and non-polar, with aspartic acid, which is acidic and polar, at codon 336 of the LMX1B protein (p.Gly336Asp). This variant is not present in population databases (gnomAD no frequency). This variant has not been reported in the literature in individuals affected with LMX1B-related conditions. Advanced modeling of protein sequence and biophysical properties (such as structural, functional, and spatial information, amino acid conservation, physicochemical variation, residue mobility, and thermodynamic stability) performed at Invitae indicates that this missense variant is not expected to disrupt LMX1B protein function with a negative predictive value of 80%. In summary, the available evidence is currently insufficient to determine the role of this variant in disease. Therefore, it has been classified as a Variant of Uncertain Significance.